The following is an entry in ClinVar:

NM_001166108.2(PALLD):c.2275C>A (p.Gln759Lys)

Genes: CBR4 (carbonyl reductase 4; minus strand), PALLD (palladin, cytoskeletal associated protein; plus strand). Cytogenetic location: 4q32.3.
Variant type: single nucleotide variant.
Coding change: c.2275C>A on transcript NM_001166108.2 (MANE Select); coding-DNA position 2275, C replaced by A.
Protein change: p.Gln759Lys; replaces glutamine 759 with lysine.
Molecular consequence: missense variant.
Genome position (GRCh38, 1-based): chr4:168,898,517, C>A. VCF-style: chr4-168898517-C-A. GRCh37 (hg19) VCF-style: chr4-169819668-C-A.
Other names: c.763C>A (NM_001166110.1); c.1078C>A, p.Gln360Lys (NM_001166109.2); c.763C>A, p.Gln255Lys (NM_001166110.2); c.103C>A, p.Gln35Lys (NM_001367567.1, NM_001367569.1); c.154C>A, p.Gln52Lys (NM_001367568.1, NM_001367570.1); c.2224C>A, p.Gln742Lys (NM_016081.4); short protein forms Q35K, Q52K, Q255K, Q759K, Q360K, Q742K.
Identifiers: ClinVar variation 1433201 (VCV001433201.7), dbSNP rs1050591975, ClinGen allele CA110518035.

ClinVar aggregate classification (germline): Uncertain significance. Review status: criteria provided, multiple submitters, no conflicts (2 of 4 stars). 2 submissions from 2 submitters: Uncertain significance (2). Last evaluated 2025-09-21.

Conditions:
Pancreatic adenocarcinoma. Identifiers: MedGen C0281361, MONDO:0006047, HP:0006725.

gnomAD v4.1: 5 of 1,612,652 alleles (0.00031%); highest among the groups gnomAD compares: Admixed American, 0.0033%; no homozygotes.

Submissions (2):

Ambry Genetics
Classification: Uncertain significance. Last evaluated: 2025-09-21. Review status: criteria provided, single submitter. Criteria: Ambry Variant Classification Scheme 2023. Collection method: clinical testing. Allele origin: germline.
Comment: The p.Q255K variant (also known as c.763C>A), located in coding exon 4 of the PALLD gene, results from a C to A substitution at nucleotide position 763. The glutamine at codon 255 is replaced by lysine, an amino acid with similar properties. This amino acid position is conserved. In addition, the in silico prediction for this alteration is inconclusive. Based on the available evidence, the clinical significance of this variant remains unclear.

Labcorp Genetics (formerly Invitae), Labcorp
Classification: Uncertain significance for Pancreatic adenocarcinoma. Last evaluated: 2021-09-07. Review status: criteria provided, single submitter. Criteria: Invitae Variant Classification Sherloc (09022015). Collection method: clinical testing. Allele origin: germline.
Comment: This sequence change replaces glutamine with lysine at codon 255 of the PALLD protein (p.Gln255Lys). The glutamine residue is highly conserved and there is a small physicochemical difference between glutamine and lysine. This variant is not present in population databases (ExAC no frequency). This variant has not been reported in the literature in individuals affected with PALLD-related conditions. Algorithms developed to predict the effect of missense changes on protein structure and function are either unavailable or do not agree on the potential impact of this missense change (SIFT: "Deleterious"; PolyPhen-2: "Benign"; Align-GVGD: "Class C45"). In summary, the available evidence is currently insufficient to determine the role of this variant in disease. Therefore, it has been classified as a Variant of Uncertain Significance.